The following is an entry in ClinVar:

ClinVar aggregate classification (germline): Uncertain significance. Review status: criteria provided, single submitter (1 of 4 stars). 2 submissions from 2 submitters: Uncertain significance (1). 1 of the submissions does not count toward it. Last evaluated 2021-09-30.

Conditions:
KIAA0825-related disorder. Also called: KIAA0825-related condition.

Allele frequency attached by ClinVar (database versions not stated): 1000 Genomes Project 0.00020; 1000 Genomes Project 30x 0.00047; TOPMed 0.00067; ESP Exome Variant Server 0.00069; gnomAD 0.00074; ExAC 0.00079; gnomAD exomes 0.00092.
gnomAD v4.1: 1,444 of 1,612,956 alleles (0.09%); highest among the groups gnomAD compares: Non-Finnish European, 0.11%; no homozygotes.

Submissions (4):

Ambry Genetics
Classification: Uncertain significance. Last evaluated: 2021-09-30. Review status: criteria provided, single submitter. Criteria: Ambry Variant Classification Scheme 2023. Collection method: clinical testing. Allele origin: germline.

PreventionGenetics, part of Exact Sciences
Classification: Uncertain significance for KIAA0825-related condition. Last evaluated: 2024-07-03. Review status: no assertion criteria provided. Collection method: clinical testing. Allele origin: germline. Not counted in ClinVar's aggregate classification.
Comment: The KIAA0825 c.698G>A variant is predicted to result in the amino acid substitution p.Arg233Lys. To our knowledge, this variant has not been reported in the literature. This variant is reported in 0.14% of alleles in individuals of European (Non-Finnish) descent in gnomAD. Although we suspect that this variant may be benign, at this time, the clinical significance of this variant is uncertain due to the absence of conclusive functional and genetic evidence.

Dr. Peter K. Rogan Lab, Western University
No classification provided (evidence only). Condition: Cholangiocarcinoma. Review status: no classification provided. Collection method: in vitro. Allele origin: not applicable. Functional consequence: retained intron. Not counted in ClinVar's aggregate classification.

Dr. Peter K. Rogan Lab, Western University
No classification provided (evidence only). Condition: Lymphoma. Review status: no classification provided. Collection method: in vitro. Allele origin: not applicable. Functional consequence: retained intron. Not counted in ClinVar's aggregate classification.

NM_001145678.3(KIAA0825):c.698G>A (p.Arg233Lys)

Gene: KIAA0825 (KIAA0825; minus strand). Cytogenetic location: 5q15.
Variant type: single nucleotide variant.
Coding change: c.698G>A on transcript NM_001145678.3 (MANE Select); coding-DNA position 698, G replaced by A.
Protein change: p.Arg233Lys; replaces arginine 233 with lysine.
Molecular consequence: missense variant. On other transcripts: non-coding transcript variant (4).
Genome position (GRCh38, 1-based): chr5:94,520,520, C>T on the plus strand (G>A on the coding strand, the complement: KIAA0825 is on the minus strand). VCF-style: chr5-94520520-C-T. GRCh37 (hg19) VCF-style: chr5-93856225-C-T.
Other names: NC_000005.9:g.93856225C>T; c.698G>A, p.Arg233Lys (NM_001385728.1, NM_001385729.1, NM_001385730.1 and 13 more transcripts); c.587G>A, p.Arg196Lys (NM_001385724.1); short protein forms R233K, R196K.
Identifiers: ClinVar variation 3114131 (VCV003114131.3), dbSNP rs143278447, ClinGen allele CA3344231.